The following is an entry in ClinVar:

NM_006514.4(SCN10A):c.5496T>C (p.Thr1832=)

Gene: SCN10A (sodium voltage-gated channel alpha subunit 10; minus strand). Cytogenetic location: 3p22.2.
Variant type: single nucleotide variant.
Coding change: c.5496T>C on transcript NM_006514.4 (MANE Select); coding-DNA position 5496, T replaced by C.
Protein change: p.Thr1832=; no amino-acid change (threonine 1832 retained).
Molecular consequence: synonymous variant.
Genome position (GRCh38, 1-based): chr3:38,697,724, A>G on the plus strand (T>C on the coding strand, the complement: SCN10A is on the minus strand). VCF-style: chr3-38697724-A-G. GRCh37 (hg19) VCF-style: chr3-38739215-A-G.
Other names: c.5493T>C, p.Thr1831= (NM_001293306.2); c.5202T>C, p.Thr1734= (NM_001293307.2).
Identifiers: ClinVar variation 463267 (VCV000463267.18), dbSNP rs112374164, ClinGen allele CA2319664.
Genomic context (GRCh38, chr3:38,697,724, plus strand): 5'-GTCTTCTTGCTTCCATCGGAGAGTGGTTGCTATTGGTTCATAGGATGATTTTGAAAGATT[A>G]GTTGCCATAAACTTCTCCTCCATATTTGCCTTCAGAGAATCCAACTCCCCGGATTCTCCT-3'
Protein context (NP_006505.4, residues 1822-1842): KANMEEKFMA[Thr1832=]NLSKSSYEPI

ClinVar aggregate classification (germline): Benign/Likely benign. Review status: criteria provided, multiple submitters, no conflicts (2 of 4 stars). 6 submissions from 6 submitters: Benign (3); Likely benign (3). Last evaluated 2026-05-22.

Conditions:
SCN10A-related disorder. Also called: SCN10A-related condition.
Cardiovascular phenotype. Identifiers: MedGen CN230736.
Brugada syndrome. Also called: Sudden unexpected nocturnal death syndrome; Sudden unexplained nocturnal death syndrome; Sudden Unexplained Death Syndrome; Sudden Unexplained Nocturnal Death Syndrome (SUNDS). Identifiers: Orphanet 130, MedGen C1142166, MONDO:0015263.

Allele frequency attached by ClinVar (database versions not stated): gnomAD exomes 0.00033; ExAC 0.00039; 1000 Genomes Project 30x 0.00078; 1000 Genomes Project 0.00100; gnomAD 0.00114 and 0.00127; TOPMed 0.00141; ESP Exome Variant Server 0.00161.
gnomAD v4.1: 342 of 1,614,156 alleles (0.021%); highest among the groups gnomAD compares: African/African-American, 0.4%; 1 homozygote.

Submissions (6):

PreventionGenetics, part of Exact Sciences
Classification: Benign for SCN10A-related condition. Last evaluated: 2026-05-22. Review status: criteria provided, single submitter. Criteria: ACMG Guidelines, 2015. Collection method: clinical testing. Allele origin: germline.
Comment: This variant is classified as benign based on ACMG/AMP sequence variant interpretation guidelines (Richards et al. 2015 PMID: 25741868, with internal and published modifications).

Labcorp Genetics (formerly Invitae), Labcorp
Classification: Benign for Brugada syndrome. Last evaluated: 2026-01-28. Review status: criteria provided, single submitter. Criteria: Invitae Variant Classification Sherloc (09022015). Collection method: clinical testing. Allele origin: germline.

Blueprint Genetics
Classification: Likely benign. Last evaluated: 2024-08-28. Review status: criteria provided, single submitter. Criteria: ACMG Guidelines, 2015. Collection method: clinical testing. Allele origin: germline.

Women's Health and Genetics/Laboratory Corporation of America, LabCorp
Classification: Benign. Last evaluated: 2024-04-28. Review status: criteria provided, single submitter. Criteria: LabCorp Variant Classification Summary - May 2015. Collection method: clinical testing. Allele origin: germline.

GeneDx
Classification: Likely benign. Last evaluated: 2020-10-12. Review status: criteria provided, single submitter. Criteria: GeneDx Variant Classification Process June 2021. Collection method: clinical testing. Allele origin: germline. Affected: yes.

Ambry Genetics
Classification: Likely benign for Cardiovascular phenotype. Last evaluated: 2019-04-16. Review status: criteria provided, single submitter. Criteria: Ambry Variant Classification Scheme 2023. Collection method: clinical testing. Allele origin: germline.